The following is an entry in ClinVar:

ClinVar aggregate classification (germline): Uncertain significance (1 of 4 stars; one submission).

Conditions:
FG syndrome (FGS). Identifiers: MedGen C0220769, MONDO:0002010.

Submission:

Labcorp Genetics (formerly Invitae), Labcorp
Classification: Uncertain significance for FG syndrome. Last evaluated: 2019-03-06. Review status: criteria provided, single submitter. Criteria: Invitae Variant Classification Sherloc (09022015). Collection method: clinical testing. Allele origin: germline.
Comment: This variant has not been reported in the literature in individuals with MED12-related conditions. This variant is not present in population databases (ExAC no frequency). This sequence change replaces proline with alanine at codon 2032 of the MED12 protein (p.Pro2032Ala). The proline residue is highly conserved and there is a small physicochemical difference between proline and alanine. In summary, the available evidence is currently insufficient to determine the role of this variant in disease. Therefore, it has been classified as a Variant of Uncertain Significance. Algorithms developed to predict the effect of missense changes on protein structure and function (SIFT, PolyPhen-2, Align-GVGD) all suggest that this variant is likely to be tolerated, but these predictions have not been confirmed by published functional studies and their clinical significance is uncertain.

NM_005120.3(MED12):c.6094C>G (p.Pro2032Ala)

Gene: MED12 (mediator complex subunit 12; plus strand). Cytogenetic location: Xq13.1.
Variant type: single nucleotide variant.
Coding change: c.6094C>G on transcript NM_005120.3 (MANE Select); coding-DNA position 6094, C replaced by G.
Protein change: p.Pro2032Ala; replaces proline 2032 with alanine.
Molecular consequence: missense variant.
Genome position (GRCh38, 1-based): chrX:71,140,684, C>G. VCF-style: chrX-71140684-C-G. GRCh37 (hg19) VCF-style: chrX-70360534-C-G.
Other names: short protein forms P2032A.
Identifiers: ClinVar variation 861172 (VCV000861172.10), dbSNP rs2092344746, ClinGen allele CA413539765.